The following is an entry in ClinVar:

ClinVar aggregate classification (germline): Uncertain significance. Review status: criteria provided, multiple submitters, no conflicts (2 of 4 stars). 2 submissions from 2 submitters: Uncertain significance (2). Last evaluated 2024-06-20.

Conditions:
Retinoblastoma (RB1). Also called: RETINOBLASTOMA, SOMATIC. Identifiers: Orphanet 790, MedGen C0035335, MeSH D012175, MONDO:0008380, OMIM 180200, HP:0009919. Disease mechanism: loss of function. Inheritance: Both sporadic and heritable forms are tested..
Hereditary cancer-predisposing syndrome. Also called: Hereditary Cancer Syndrome; Tumor predisposition; Hereditary neoplastic syndrome; Neoplastic Syndromes, Hereditary. Identifiers: Orphanet 140162, MedGen C0027672, MeSH D009386, MONDO:0015356.

Allele frequency attached by ClinVar (database versions not stated): gnomAD exomes below 0.00001.
gnomAD v4.1: 2 of 1,611,528 alleles (0.00012%); highest among the groups gnomAD compares: Non-Finnish European, 0.00017%; no homozygotes.

Submissions (2):

Ambry Genetics
Classification: Uncertain significance for Hereditary cancer-predisposing syndrome. Last evaluated: 2024-06-20. Review status: criteria provided, single submitter. Criteria: Ambry Variant Classification Scheme 2023. Collection method: clinical testing. Allele origin: germline.
Comment: The p.D604N variant (also known as c.1810G>A), located in coding exon 18 of the RB1 gene, results from a G to A substitution at nucleotide position 1810. The aspartic acid at codon 604 is replaced by asparagine, an amino acid with highly similar properties. This amino acid position is highly conserved in available vertebrate species. In addition, the in silico prediction for this alteration is inconclusive. Since supporting evidence is limited at this time, the clinical significance of this alteration remains unclear.

Labcorp Genetics (formerly Invitae), Labcorp
Classification: Uncertain significance for Retinoblastoma. Last evaluated: 2021-02-22. Review status: criteria provided, single submitter. Criteria: Invitae Variant Classification Sherloc (09022015). Collection method: clinical testing. Allele origin: germline.
Comment: This variant is not present in population databases (ExAC no frequency). This sequence change replaces aspartic acid with asparagine at codon 604 of the RB1 protein (p.Asp604Asn). The aspartic acid residue is highly conserved and there is a small physicochemical difference between aspartic acid and asparagine. This variant has not been reported in the literature in individuals with RB1-related conditions. Algorithms developed to predict the effect of missense changes on protein structure and function are either unavailable or do not agree on the potential impact of this missense change (SIFT: "Deleterious"; PolyPhen-2: "Probably Damaging"; Align-GVGD: "Class C15"). In summary, the available evidence is currently insufficient to determine the role of this variant in disease. Therefore, it has been classified as a Variant of Uncertain Significance.

NM_000321.3(RB1):c.1810G>A (p.Asp604Asn)

Gene: RB1 (RB transcriptional corepressor 1; plus strand). Cytogenetic location: 13q14.2.
Variant type: single nucleotide variant.
Coding change: c.1810G>A on transcript NM_000321.3 (MANE Select); coding-DNA position 1810, G replaced by A.
Protein change: p.Asp604Asn; replaces aspartic acid 604 with asparagine.
Molecular consequence: missense variant.
Genome position (GRCh38, 1-based): chr13:48,453,107, G>A. VCF-style: chr13-48453107-G-A. GRCh37 (hg19) VCF-style: chr13-49027243-G-A.
Other names: short protein forms D604N.
Identifiers: ClinVar variation 1418214 (VCV001418214.11), dbSNP rs2138327415, ClinGen allele CA388165660.